The following is an entry in ClinVar:

ClinVar aggregate classification (germline): Pathogenic (1 of 4 stars; one submission).

Submission:

Labcorp Genetics (formerly Invitae), Labcorp
Classification: Pathogenic. Last evaluated: 2025-02-06. Review status: criteria provided, single submitter. Criteria: Invitae Variant Classification Sherloc (09022015). Collection method: clinical testing. Allele origin: germline.
Comment: This sequence change creates a premature translational stop signal (p.His1744Glnfs*12) in the POLE gene. It is expected to result in an absent or disrupted protein product. Loss-of-function variants in POLE are known to be pathogenic (PMID: 23230001, 25948378, 30503519). This variant is not present in population databases (gnomAD no frequency). This variant has not been reported in the literature in individuals affected with POLE-related conditions. For these reasons, this variant has been classified as Pathogenic.

Literature cited by the submitters: PubMed 23230001; PubMed 25948378; PubMed 30503519.

NM_006231.4(POLE):c.5232_5247del (p.His1744fs)

Gene: POLE (DNA polymerase epsilon, catalytic subunit; minus strand). Cytogenetic location: 12q24.33.
Variant type: Deletion.
Coding change: c.5232_5247del on transcript NM_006231.4 (MANE Select); coding-DNA positions 5232 to 5247, 16 bases deleted (TGTCAACGACATGGAG).
Protein change: p.His1744fs; shifts the reading frame from histidine 1744.
Molecular consequence: frameshift variant.
Genome position (GRCh38, 1-based): chr12:132,641,778-132,641,793, CTCCATGTCGTTGACA deleted on the plus strand (TGTCAACGACATGGAG on the coding strand, the reverse complement: POLE is on the minus strand). VCF-style (leftmost placement, unchanged base first): chr12-132641777-CCTCCATGTCGTTGACA-C. GRCh37 (hg19) VCF-style: chr12-133218363-CCTCCATGTCGTTGACA-C.
Other names: short protein forms H1744fs.
Identifiers: ClinVar variation 4712518 (VCV004712518.1).